The following is an entry in ClinVar:

NM_001142800.2(EYS):c.5131A>G (p.Met1711Val)

Gene: EYS (EGF-like photoreceptor maintenance factor; minus strand). Cytogenetic location: 6q12.
Variant type: single nucleotide variant.
Coding change: c.5131A>G on transcript NM_001142800.2 (MANE Select); coding-DNA position 5131, A replaced by G.
Protein change: p.Met1711Val; replaces methionine 1711 with valine.
Molecular consequence: missense variant.
Genome position (GRCh38, 1-based): chr6:64,590,736, T>C on the plus strand (A>G on the coding strand, the complement: EYS is on the minus strand). VCF-style: chr6-64590736-T-C. GRCh37 (hg19) VCF-style: chr6-65300629-T-C.
Other names: c.5131A>G, p.Met1711Val (NM_001292009.2); short protein forms M1711V.
Identifiers: ClinVar variation 992124 (VCV000992124.4), dbSNP rs913147481, ClinGen allele CA140340906.

ClinVar aggregate classification (germline): Uncertain significance. Review status: criteria provided, multiple submitters, no conflicts (2 of 4 stars). 3 submissions from 3 submitters: Uncertain significance (2). 1 of the submissions does not count toward it. Last evaluated 2024-10-08.

Conditions:
Autosomal recessive retinitis pigmentosa. Identifiers: MedGen C0339526.

Allele frequency attached by ClinVar (database versions not stated): TOPMed below 0.00001; gnomAD exomes 0.00001.

Submissions (3):

Blueprint Genetics
Classification: Uncertain significance. Last evaluated: 2024-10-08. Review status: criteria provided, single submitter. Criteria: ACMG Guidelines, 2015. Collection method: clinical testing. Allele origin: germline.

Labcorp Genetics (formerly Invitae), Labcorp
Classification: Uncertain significance. Last evaluated: 2022-08-17. Review status: criteria provided, single submitter. Criteria: Invitae Variant Classification Sherloc (09022015). Collection method: clinical testing. Allele origin: germline.
Comment: This sequence change replaces methionine, which is neutral and non-polar, with valine, which is neutral and non-polar, at codon 1711 of the EYS protein (p.Met1711Val). This variant is present in population databases (no rsID available, gnomAD 0.01%). This variant has not been reported in the literature in individuals affected with EYS-related conditions. ClinVar contains an entry for this variant (Variation ID: 992124). Algorithms developed to predict the effect of missense changes on protein structure and function output the following: SIFT: "Tolerated"; PolyPhen-2: "Benign"; Align-GVGD: "Class C0". The valine amino acid residue is found in multiple mammalian species, which suggests that this missense change does not adversely affect protein function. In summary, the available evidence is currently insufficient to determine the role of this variant in disease. Therefore, it has been classified as a Variant of Uncertain Significance.

Natera, Inc.
Classification: Uncertain significance for Autosomal recessive retinitis pigmentosa. Last evaluated: 2020-10-20. Review status: no assertion criteria provided. Collection method: clinical testing. Allele origin: germline. Not counted in ClinVar's aggregate classification.